The following is an entry in ClinVar:

ClinVar aggregate classification (germline): Uncertain significance (1 of 4 stars; one submission).

Conditions:
Joubert syndrome. Also called: CEREBELLOPARENCHYMAL DISORDER IV; JOUBERT-BOLTSHAUSER SYNDROME; Familial aplasia of the vermis. Identifiers: Orphanet 475, MedGen C5979921, MONDO:0018772.
Meckel-Gruber syndrome. Also called: DYSENCEPHALIA SPLANCHNOCYSTICA; GRUBER SYNDROME; Dysencephalia splachnocystica. Identifiers: Orphanet 564, MedGen C0265215, MONDO:0018921.

Allele frequency attached by ClinVar (database versions not stated): ExAC 0.00001; gnomAD 0.00001.
gnomAD v4.1: 9 of 1,613,842 alleles (0.00056%); highest among the groups gnomAD compares: African/African-American, 0.0027%; no homozygotes.

Submission:

Labcorp Genetics (formerly Invitae), Labcorp
Classification: Uncertain significance for Joubert syndrome; Meckel-Gruber syndrome. Last evaluated: 2023-10-03. Review status: criteria provided, single submitter. Criteria: Invitae Variant Classification Sherloc (09022015). Collection method: clinical testing. Allele origin: germline.
Comment: This sequence change replaces tyrosine, which is neutral and polar, with cysteine, which is neutral and slightly polar, at codon 415 of the MKS1 protein (p.Tyr415Cys). This variant is present in population databases (rs765002709, gnomAD 0.007%). This variant has not been reported in the literature in individuals affected with MKS1-related conditions. Advanced modeling of protein sequence and biophysical properties (such as structural, functional, and spatial information, amino acid conservation, physicochemical variation, residue mobility, and thermodynamic stability) performed at Invitae indicates that this missense variant is expected to disrupt MKS1 protein function. In summary, the available evidence is currently insufficient to determine the role of this variant in disease. Therefore, it has been classified as a Variant of Uncertain Significance.

NM_017777.4(MKS1):c.1244A>G (p.Tyr415Cys)

Gene: MKS1 (MKS transition zone complex subunit 1; minus strand). Cytogenetic location: 17q22.
Variant type: single nucleotide variant.
Coding change: c.1244A>G on transcript NM_017777.4 (MANE Select); coding-DNA position 1244, A replaced by G.
Protein change: p.Tyr415Cys; replaces tyrosine 415 with cysteine.
Molecular consequence: missense variant.
Genome position (GRCh38, 1-based): chr17:58,207,923, T>C on the plus strand (A>G on the coding strand, the complement: MKS1 is on the minus strand). VCF-style: chr17-58207923-T-C. GRCh37 (hg19) VCF-style: chr17-56285284-T-C.
Other names: c.635A>G, p.Tyr212Cys (NM_001321268.2); c.1244A>G, p.Tyr415Cys (NM_001321269.2, NM_001330397.2, NM_001411113.1); short protein forms Y415C, Y212C.
Identifiers: ClinVar variation 2934523 (VCV002934523.2), dbSNP rs765002709, ClinGen allele CA8669222.